The following is an entry in ClinVar:

ClinVar aggregate classification (germline): Likely benign. Review status: criteria provided, multiple submitters, no conflicts (2 of 4 stars). 2 submissions from 2 submitters: Likely benign (2). Last evaluated 2026-05-01.

Allele frequency attached by ClinVar (database versions not stated): gnomAD 0.00001; gnomAD exomes 0.00002; TOPMed 0.00002.

Submissions (2):

CeGaT Center for Human Genetics Tuebingen
Classification: Likely benign. Last evaluated: 2026-05-01. Review status: criteria provided, single submitter. Criteria: CeGaT Center For Human Genetics Tuebingen Variant Classification Criteria Version 2. Collection method: clinical testing. Allele origin: germline. Affected: yes. Observed: 2 variant alleles.
Comment: ZNF335: BP4, BP7

Labcorp Genetics (formerly Invitae), Labcorp
Classification: Likely benign. Last evaluated: 2022-11-24. Review status: criteria provided, single submitter. Criteria: Invitae Variant Classification Sherloc (09022015). Collection method: clinical testing. Allele origin: germline.

NM_022095.4(ZNF335):c.189C>T (p.Gly63=)

Gene: ZNF335 (zinc finger protein 335; minus strand). Cytogenetic location: 20q13.12.
Variant type: single nucleotide variant.
Coding change: c.189C>T on transcript NM_022095.4 (MANE Select); coding-DNA position 189, C replaced by T.
Protein change: p.Gly63=; no amino-acid change (glycine 63 retained).
Molecular consequence: synonymous variant.
Genome position (GRCh38, 1-based): chr20:45,971,222, G>A on the plus strand (C>T on the coding strand, the complement: ZNF335 is on the minus strand). VCF-style: chr20-45971222-G-A. GRCh37 (hg19) VCF-style: chr20-44599861-G-A.
Identifiers: ClinVar variation 2652355 (VCV002652355.27), dbSNP rs764638233, ClinGen allele CA9886205.